The following is an entry in ClinVar:

ClinVar aggregate classification (germline): Uncertain significance (1 of 4 stars; one submission).

Conditions:
Catecholaminergic polymorphic ventricular tachycardia 1. Also called: VENTRICULAR TACHYCARDIA, CATECHOLAMINERGIC POLYMORPHIC, 1, WITH OR WITHOUT ATRIAL DYSFUNCTION AND/OR DILATED CARDIOMYOPATHY; VENTRICULAR TACHYCARDIA, STRESS-INDUCED POLYMORPHIC 1; RYR2-Related Catecholaminergic Polymorphic Ventricular Tachycardia. Identifiers: Orphanet 3286, MedGen C1631597, MONDO:0011484, OMIM 604772.

gnomAD v4.1: 1 of 1,613,834 alleles (0.000062%); highest among the groups gnomAD compares: Non-Finnish European, 0.000085%; no homozygotes.

Submission:

Labcorp Genetics (formerly Invitae), Labcorp
Classification: Uncertain significance for Catecholaminergic polymorphic ventricular tachycardia 1. Last evaluated: 2022-10-09. Review status: criteria provided, single submitter. Criteria: Invitae Variant Classification Sherloc (09022015). Collection method: clinical testing. Allele origin: germline.
Comment: This sequence change replaces glycine, which is neutral and non-polar, with glutamic acid, which is acidic and polar, at codon 1324 of the RYR2 protein (p.Gly1324Glu). This variant is not present in population databases (gnomAD no frequency). This variant has not been reported in the literature in individuals affected with RYR2-related conditions. Advanced modeling of protein sequence and biophysical properties (such as structural, functional, and spatial information, amino acid conservation, physicochemical variation, residue mobility, and thermodynamic stability) performed at Invitae indicates that this missense variant is not expected to disrupt RYR2 protein function. In summary, the available evidence is currently insufficient to determine the role of this variant in disease. Therefore, it has been classified as a Variant of Uncertain Significance.

NM_001035.3(RYR2):c.3971G>A (p.Gly1324Glu)

Genes: RYR2 (ryanodine receptor 2; plus strand), LOC126806067 (BRD4-independent group 4 enhancer GRCh37_chr1:237753258-237754457; plus strand). Cytogenetic location: 1q43.
Variant type: single nucleotide variant.
Coding change: c.3971G>A on transcript NM_001035.3 (MANE Select); coding-DNA position 3971, G replaced by A.
Protein change: p.Gly1324Glu; replaces glycine 1324 with glutamic acid.
Molecular consequence: missense variant.
Genome position (GRCh38, 1-based): chr1:237,590,803, G>A. VCF-style: chr1-237590803-G-A. GRCh37 (hg19) VCF-style: chr1-237754103-G-A.
Other names: short protein forms G1324E.
Identifiers: ClinVar variation 1721338 (VCV001721338.6), dbSNP rs773678614, ClinGen allele CA345397464.
Genomic context (GRCh38, chr1:237,590,803, plus strand): 5'-TGAGCATGCCGATCGAGTGCGCGGAGGTCTTCTCCAAGACGGTGGCTGGAGGGCTCCCTG[G>A]GGCTGGCCTTTTTGGGCCCAAGAATGACTTGGAAGATTATGATGCTGATTCTGACTTTGA-3'
Protein context (NP_001026.2, residues 1314-1334): FSKTVAGGLP[Gly1324Glu]AGLFGPKNDL